The following is an entry in ClinVar:

ClinVar aggregate classification (germline): Conflicting classifications of pathogenicity. Review status: criteria provided, conflicting classifications (1 of 4 stars). 2 submissions from 2 submitters: Uncertain significance (1); Likely benign (1). Last evaluated 2023-03-23.

Conditions:
Hereditary cancer-predisposing syndrome. Also called: Hereditary neoplastic syndrome; Neoplastic Syndromes, Hereditary; Tumor predisposition; Hereditary Cancer Syndrome. Identifiers: Orphanet 140162, MedGen C0027672, MeSH D009386, MONDO:0015356.

Submissions (2):

University of Washington Department of Laboratory Medicine, University of Washington
Classification: Likely benign for Hereditary cancer-predisposing syndrome. Last evaluated: 2023-03-23. Review status: criteria provided, single submitter. Criteria: Dines et al. (Genet Med. 2020). Collection method: curation. Allele origin: germline.
Comment: Missense variant in a coldspot region where missense variants are very unlikely to be pathogenic (PMID:31911673).

BRCA2 exon 11 coldspot. Reclassification based on statistical prior probability.

GeneDx
Classification: Uncertain significance. Last evaluated: 2021-03-08. Review status: criteria provided, single submitter. Criteria: GeneDx Variant Classification Process June 2021. Collection method: clinical testing. Allele origin: germline. Affected: yes.
Comment: Not observed in large population cohorts (Lek et al., 2016); In silico analysis supports that this missense variant has a deleterious effect on protein structure/function; Has not been previously published as pathogenic or benign to our knowledge; Also known as 5354A>T

NM_000059.4(BRCA2):c.5126A>T (p.Asp1709Val)

Gene: BRCA2 (BRCA2 DNA repair associated; plus strand). Cytogenetic location: 13q13.1.
Variant type: single nucleotide variant.
Coding change: c.5126A>T on transcript NM_000059.4 (MANE Select); coding-DNA position 5126, A replaced by T.
Protein change: p.Asp1709Val; replaces aspartic acid 1709 with valine.
Molecular consequence: missense variant.
Genome position (GRCh38, 1-based): chr13:32,339,481, A>T. VCF-style: chr13-32339481-A-T. GRCh37 (hg19) VCF-style: chr13-32913618-A-T.
Other names: short protein forms D1709V.
Identifiers: ClinVar variation 1320965 (VCV001320965.4), dbSNP rs786202836, ClinGen allele CA387784166.
Genomic context (GRCh38, chr13:32,339,481, plus strand): 5'-CAAAAAAATGGCTTAGAGAAGGAATATTTGATGGTCAACCAGAAAGAATAAATACTGCAG[A>T]TTATGTAGGAAATTATTTGTATGAAAATAATTCAAACAGTACTATAGCTGAAAATGACAA-3'
Protein context (NP_000050.3, residues 1699-1719): DGQPERINTA[Asp1709Val]YVGNYLYENN